The following is an entry in ClinVar:

NM_000376.3(VDR):c.1072C>T (p.Arg358Cys)

Gene: VDR (vitamin D receptor; minus strand). Cytogenetic location: 12q13.11.
Variant type: single nucleotide variant.
Coding change: c.1072C>T on transcript NM_000376.3 (MANE Select); coding-DNA position 1072, C replaced by T.
Protein change: p.Arg358Cys; replaces arginine 358 with cysteine.
Molecular consequence: missense variant.
Genome position (GRCh38, 1-based): chr12:47,844,958, G>A on the plus strand (C>T on the coding strand, the complement: VDR is on the minus strand). VCF-style: chr12-47844958-G-A. GRCh37 (hg19) VCF-style: chr12-48238741-G-A.
Other names: c.1072C>T, p.Arg358Cys (NM_001017535.2, NM_001364085.2, NM_001374661.1 and 1 more transcripts); c.1222C>T, p.Arg408Cys (NM_001017536.2); short protein forms R408C, R358C.
Identifiers: ClinVar variation 1926137 (VCV001926137.2), dbSNP rs752733059, ClinGen allele CA6533759.

ClinVar aggregate classification (germline): Uncertain significance (1 of 4 stars; one submission).

Allele frequency attached by ClinVar (database versions not stated): ExAC 0.00001; gnomAD 0.00001; gnomAD exomes 0.00001; TOPMed 0.00001.
gnomAD v4.1: 15 of 1,613,784 alleles (0.00093%); highest among the groups gnomAD compares: Non-Finnish European, 0.0012%; no homozygotes.

Submission:

Labcorp Genetics (formerly Invitae), Labcorp
Classification: Uncertain significance. Last evaluated: 2022-08-22. Review status: criteria provided, single submitter. Criteria: Invitae Variant Classification Sherloc (09022015). Collection method: clinical testing. Allele origin: germline.
Comment: This sequence change replaces arginine, which is basic and polar, with cysteine, which is neutral and slightly polar, at codon 358 of the VDR protein (p.Arg358Cys). This variant is present in population databases (rs752733059, gnomAD 0.0009%). This variant has not been reported in the literature in individuals affected with VDR-related conditions. Algorithms developed to predict the effect of missense changes on protein structure and function (SIFT, PolyPhen-2, Align-GVGD) all suggest that this variant is likely to be disruptive. In summary, the available evidence is currently insufficient to determine the role of this variant in disease. Therefore, it has been classified as a Variant of Uncertain Significance.